The following is an entry in ClinVar:

NM_001355436.2(SPTB):c.2212A>G (p.Asn738Asp)

Gene: SPTB (spectrin beta, erythrocytic; minus strand). Cytogenetic location: 14q23.3.
Variant type: single nucleotide variant.
Coding change: c.2212A>G on transcript NM_001355436.2 (MANE Select); coding-DNA position 2212, A replaced by G.
Protein change: p.Asn738Asp; replaces asparagine 738 with aspartic acid.
Molecular consequence: missense variant.
Genome position (GRCh38, 1-based): chr14:64,793,451, T>C on the plus strand (A>G on the coding strand, the complement: SPTB is on the minus strand). VCF-style: chr14-64793451-T-C. GRCh37 (hg19) VCF-style: chr14-65260169-T-C.
Other names: c.2212A>G, p.Asn738Asp (NM_001024858.4, NM_001355437.2); short protein forms N738D.
Identifiers: ClinVar variation 4730992 (VCV004730992.1).

ClinVar aggregate classification (germline): Uncertain significance (1 of 4 stars; one submission).

gnomAD v4.1: 1 of 1,614,070 alleles (0.000062%); highest among the groups gnomAD compares: Non-Finnish European, 0.000085%; no homozygotes.

Submission:

Labcorp Genetics (formerly Invitae), Labcorp
Classification: Uncertain significance. Last evaluated: 2025-11-11. Review status: criteria provided, single submitter. Criteria: Invitae Variant Classification Sherloc (09022015). Collection method: clinical testing. Allele origin: germline.
Comment: This sequence change replaces asparagine, which is neutral and polar, with aspartic acid, which is acidic and polar, at codon 738 of the SPTB protein (p.Asn738Asp). This variant is not present in population databases (gnomAD no frequency). This variant has not been reported in the literature in individuals affected with SPTB-related conditions. An algorithm developed to predict the effect of missense changes on protein structure and function outputs the following: PolyPhen-2: "Benign". The aspartic acid amino acid residue is found in multiple mammalian species, which suggests that this missense change does not adversely affect protein function. In summary, the available evidence is currently insufficient to determine the role of this variant in disease. Therefore, it has been classified as a Variant of Uncertain Significance.